The following is an entry in ClinVar:

NM_018249.6(CDK5RAP2):c.5584G>A (p.Val1862Ile)

Gene: CDK5RAP2 (CDK5 regulatory subunit associated protein 2; minus strand). Cytogenetic location: 9q33.2.
Variant type: single nucleotide variant.
Coding change: c.5584G>A on transcript NM_018249.6 (MANE Select); coding-DNA position 5584, G replaced by A.
Protein change: p.Val1862Ile; replaces valine 1862 with isoleucine.
Molecular consequence: missense variant. On other transcripts: non-coding transcript variant (5).
Genome position (GRCh38, 1-based): chr9:120,389,782, C>T on the plus strand (G>A on the coding strand, the complement: CDK5RAP2 is on the minus strand). VCF-style: chr9-120389782-C-T. GRCh37 (hg19) VCF-style: chr9-123152060-C-T.
Other names: c.5347G>A, p.Val1783Ile (NM_001011649.3); c.4894G>A, p.Val1632Ile (NM_001272039.2); c.5584G>A (NM_018249.5); short protein forms V1862I, V1632I, V1783I.
Identifiers: ClinVar variation 419838 (VCV000419838.5), dbSNP rs147082653, ClinGen allele CA5213218.
Genomic context (GRCh38, chr9:120,389,782, plus strand): 5'-AAAGACTCAAAGGGCATACCTCCAGGTTTCCTCTGGCCTTCCGAAGGATTTTGTGGGTTA[C>T]GACCACTGAGGAGAGAGCAAAGAATGCAATGATTAGGGCCATGGATATCCAGGAGAGCTG-3'
Protein context (NP_060719.4, residues 1852-1872): QEKVIFDQLV[Val1862Ile]THKILRKARG

ClinVar aggregate classification (germline): Uncertain significance. Review status: criteria provided, multiple submitters, no conflicts (2 of 4 stars). 3 submissions from 3 submitters: Uncertain significance (2). 1 of the submissions does not count toward it. Last evaluated 2022-04-23.

Conditions:
CDK5RAP2-related disorder. Also called: CDK5RAP2-related condition.

Allele frequency attached by ClinVar (database versions not stated): gnomAD exomes 0.00005 and 0.00012; ExAC 0.00012; gnomAD 0.00029 and 0.00033; ESP Exome Variant Server 0.00031; TOPMed 0.00033; 1000 Genomes Project 30x 0.00047; 1000 Genomes Project 0.00060.
gnomAD v4.1: 123 of 1,613,994 alleles (0.0076%); highest among the groups gnomAD compares: African/African-American, 0.08%; no homozygotes.

Submissions (3):

Labcorp Genetics (formerly Invitae), Labcorp
Classification: Uncertain significance. Last evaluated: 2022-04-23. Review status: criteria provided, single submitter. Criteria: Invitae Variant Classification Sherloc (09022015). Collection method: clinical testing. Allele origin: germline.
Comment: This sequence change replaces valine, which is neutral and non-polar, with isoleucine, which is neutral and non-polar, at codon 1862 of the CDK5RAP2 protein (p.Val1862Ile). This variant is present in population databases (rs147082653, gnomAD 0.1%). This variant has not been reported in the literature in individuals affected with CDK5RAP2-related conditions. ClinVar contains an entry for this variant (Variation ID: 419838). Algorithms developed to predict the effect of missense changes on protein structure and function output the following: SIFT: "Tolerated"; PolyPhen-2: "Possibly Damaging"; Align-GVGD: "Class C0". The isoleucine amino acid residue is found in multiple mammalian species, which suggests that this missense change does not adversely affect protein function. In summary, the available evidence is currently insufficient to determine the role of this variant in disease. Therefore, it has been classified as a Variant of Uncertain Significance.

GeneDx
Classification: Uncertain significance. Last evaluated: 2015-09-22. Review status: criteria provided, single submitter. Criteria: GeneDx Variant Classification (06012015). Collection method: clinical testing. Allele origin: germline. Affected: yes.
Comment: A variant of unknown significance has been identified in the CDK5RAP2 gene. The V1862I variant has not been published as a pathogenic variant, nor has it been reported as a benign polymorphism to our knowledge. The V1862I variant was not observed with any significant frequency in approximately 6,500 individuals of European and African American ancestry in the NHLBI Exome Sequencing Project, but the 1000 Genomes Project reports it was observed in 2/1,322 (0.2%) alleles from individuals of African background. The V1862I variant is a conservative amino acid substitution, which is not likely to impact secondary protein structure as these residues share similar properties. Additionally, this substitution occurs at a position that is not conserved across species, and in silico analysis predicts this variant likely does not alter the protein structure/function. Based on the currently available information, it is unclear whether this variant is a pathogenic variant or a rare benign variant.

PreventionGenetics, part of Exact Sciences
Classification: Uncertain significance for CDK5RAP2-related condition. Last evaluated: 2024-04-24. Review status: no assertion criteria provided. Collection method: clinical testing. Allele origin: germline. Not counted in ClinVar's aggregate classification.
Comment: The CDK5RAP2 c.5584G>A variant is predicted to result in the amino acid substitution p.Val1862Ile. To our knowledge, this variant has not been reported in the literature. This variant is reported in 0.12% of alleles in individuals of African descent in gnomAD. Although we suspect that this variant may be benign, at this time, the clinical significance of this variant is uncertain due to the absence of conclusive functional and genetic evidence.